The following is an entry in ClinVar:

ClinVar aggregate classification (germline): Benign/Likely benign. Review status: criteria provided, multiple submitters, no conflicts (2 of 4 stars). 4 submissions from 4 submitters: Benign (1); Likely benign (3). Last evaluated 2025-02-23.

Conditions:
Hereditary cancer-predisposing syndrome. Also called: Hereditary Cancer Syndrome; Neoplastic Syndromes, Hereditary; Tumor predisposition; Hereditary neoplastic syndrome. Identifiers: Orphanet 140162, MedGen C0027672, MeSH D009386, MONDO:0015356.
Familial cancer of breast. Also called: BREAST CANCER, FAMILIAL; Hereditary breast cancer; hereditary breast carcinoma. Identifiers: Orphanet 227535, MedGen C0346153, MONDO:0016419, OMIM 114480. Disease mechanism: loss of function.
Ataxia-telangiectasia syndrome (AT). Also called: Ataxia-telangiectasia, complementation group D; AT, COMPLEMENTATION GROUP C; ATAXIA-TELANGIECTASIA, COMPLEMENTATION GROUP A; ATAXIA-TELANGIECTASIA, FRESNO VARIANT; Ataxia-telangiectasia; LOUIS-BAR SYNDROME. Identifiers: Orphanet 100, MedGen C0004135, MONDO:0008840, OMIM 208900.

Allele frequency attached by ClinVar (database versions not stated): gnomAD exomes below 0.00001; ExAC 0.00001.
gnomAD v4.1: 4 of 1,614,002 alleles (0.00025%); highest among the groups gnomAD compares: Non-Finnish European, 0.00034%; no homozygotes.

Submissions (4):

Color Diagnostics, LLC DBA Color Health
Classification: Likely benign for Hereditary cancer-predisposing syndrome. Last evaluated: 2025-02-23. Review status: criteria provided, single submitter. Criteria: ACMG Guidelines, 2015. Collection method: clinical testing. Allele origin: germline.

Labcorp Genetics (formerly Invitae), Labcorp
Classification: Likely benign for Ataxia-telangiectasia syndrome. Last evaluated: 2025-02-06. Review status: criteria provided, single submitter. Criteria: Invitae Variant Classification Sherloc (09022015). Collection method: clinical testing. Allele origin: germline.

Myriad Genetics, Inc.
Classification: Benign for Familial cancer of breast. Last evaluated: 2024-05-14. Review status: criteria provided, single submitter. Criteria: Myriad Autosomal Dominant, Autosomal Recessive and X-Linked Classification Criteria (2023). Collection method: clinical testing. Allele origin: unknown.
Comment: This variant is considered benign. This variant is a silent/synonymous amino acid change and it is not expected to impact splicing.

Ambry Genetics
Classification: Likely benign for Hereditary cancer-predisposing syndrome. Last evaluated: 2014-09-26. Review status: criteria provided, single submitter. Criteria: Ambry Variant Classification Scheme 2023. Collection method: clinical testing. Allele origin: germline.

NM_000051.4(ATM):c.3528G>T (p.Leu1176=)

Gene: ATM (ATM serine/threonine kinase; plus strand). Cytogenetic location: 11q22.3.
Variant type: single nucleotide variant.
Coding change: c.3528G>T on transcript NM_000051.4 (MANE Select); coding-DNA position 3528, G replaced by T.
Protein change: p.Leu1176=; no amino-acid change (leucine 1176 retained).
Molecular consequence: synonymous variant.
Genome position (GRCh38, 1-based): chr11:108,281,120, G>T. VCF-style: chr11-108281120-G-T. GRCh37 (hg19) VCF-style: chr11-108151847-G-T.
Other names: c.3528G>T, p.Leu1176= (NM_001351834.2).
Identifiers: ClinVar variation 186387 (VCV000186387.16), dbSNP rs748335454, ClinGen allele CA194684.
Genomic context (GRCh38, chr11:108,281,120, plus strand): 5'-GTTGATAGCTGTGGTTTTATCCTGTAGCCCTATCTGCGAAAAACAGGCTTTGTTTGCCCT[G>T]TGTAAATCTGTGAAAGAGAATGGATTAGAACCTCACCTTGTGAAAAAGGTATATATGGAT-3'
Protein context (NP_000042.3, residues 1166-1186): PICEKQALFA[Leu1176=]CKSVKENGLE